The following is an entry in ClinVar:

ClinVar aggregate classification (germline): Pathogenic. Review status: criteria provided, multiple submitters, no conflicts (2 of 4 stars). 4 submissions from 4 submitters: Pathogenic (3). 1 of the submissions does not count toward it. Last evaluated 2024-06-21.

Conditions:
Renal cyst. Also called: Renal cysts; cystic kidneys; Cystic kidney disease. Identifiers: MedGen C3887499, MONDO:0002473, HP:0000107.
PKD1-related disorder. Also called: PKD1-related condition.
Polycystic kidney disease, adult type (PKD1). Also called: Polycystic Kidney Disease 1, Autosomal Dominant; Polycystic kidney disease 1; Polycystic kidney disease 1, severe; Polycystic Kidney, Autosomal Dominant; POLYCYSTIC KIDNEY DISEASE 1 WITH OR WITHOUT POLYCYSTIC LIVER DISEASE; POLYCYSTIC KIDNEY DISEASE, ADULT, TYPE I. Identifiers: MedGen C3149841, MONDO:0008263, OMIM 173900.

Submissions (4):

Fulgent Genetics
Classification: Pathogenic for Polycystic kidney disease, adult type. Last evaluated: 2024-06-21. Review status: criteria provided, single submitter. Criteria: ACMG Guidelines, 2015. Collection method: clinical testing. Allele origin: germline.

Cambridge Genomics Laboratory, East Genomic Laboratory Hub, NHS Genomic Medicine Service
Classification: Pathogenic for Renal cyst. Last evaluated: 2019-08-12. Review status: criteria provided, single submitter. Criteria: ACGS Best Practice Guidelines for Variant Classification in Rare Disease 2020. Collection method: clinical testing. Allele origin: germline. Affected: yes. Observed: 1 variant allele.

Juno Genomics, Hangzhou Juno Genomics, Inc
Classification: Pathogenic for Polycystic kidney disease, adult type. Review status: criteria provided, single submitter. Criteria: ACMG Guidelines, 2015. Collection method: clinical testing. Allele origin: germline. Affected: yes.
Comment: Absent from controls (or at extremely low frequency if recessive) in Genome Aggregation Database, Exome Sequencing Project, 1000 Genomes Project, or Exome Aggregation Consortium.;Null variant in a gene where loss of function (LOF) is a known mechanism of disease.;The prevalence of the variant in affected individuals is significantly increased compared to the prevalence in controls.;Patient's phenotype or family history is highly specific for a disease with a single genetic etiology.

PreventionGenetics, part of Exact Sciences
Classification: Pathogenic for PKD1-related condition. Last evaluated: 2024-01-03. Review status: no assertion criteria provided. Collection method: clinical testing. Allele origin: germline. Not counted in ClinVar's aggregate classification.
Comment: The PKD1 c.10966delC variant is predicted to result in a frameshift and premature protein termination (p.Leu3656Trpfs*28). This variant has been reported to be pathogenic for autosomal dominant polycystic kidney disease (ADPKD) (see for example, Audrézet et al. 2012. PubMed ID: 22508176, Supp. Table S4). This variant has not been reported in a large population database, indicating this variant is rare. Frameshift variants in PKD1 are expected to be pathogenic. This variant is interpreted as pathogenic.

NM_001009944.3(PKD1):c.10966del (p.Leu3656fs)

Genes: PKD1 (polycystin 1, transient receptor potential channel interacting; minus strand), PKD1-AS1 (PKD1 antisense RNA 1; plus strand). Cytogenetic location: 16p13.3.
Variant type: Deletion.
Coding change: c.10966del on transcript NM_001009944.3 (MANE Select); coding-DNA position 10966, one base deleted (C; older notation c.10966delC).
Protein change: p.Leu3656fs; shifts the reading frame from leucine 3656.
Molecular consequence: frameshift variant.
Genome position (GRCh38, 1-based): chr16:2,093,594, G deleted on the plus strand (C on the coding strand, the reverse complement: PKD1 is on the minus strand); the first of 2 consecutive G bases (chr16:2,093,594-2,093,595); deleting either gives the same sequence. VCF-style (leftmost placement, unchanged base first): chr16-2093593-AG-A. GRCh37 (hg19) VCF-style: chr16-2143594-AG-A.
Other names: c.10966delC (NM_001009944.2); c.10963del, p.Leu3655fs (NM_000296.4); short protein forms L3655fs, L3656fs.
Identifiers: ClinVar variation 3037303 (VCV003037303.6), dbSNP rs2544646762, ClinGen allele CA2695221648.